The following is an entry in ClinVar:

NM_001148.6(ANK2):c.9635C>A (p.Thr3212Lys)

Gene: ANK2 (ankyrin 2; plus strand). Cytogenetic location: 4q26.
Variant type: single nucleotide variant.
Coding change: c.9635C>A on transcript NM_001148.6 (MANE Select); coding-DNA position 9635, C replaced by A.
Protein change: p.Thr3212Lys; replaces threonine 3212 with lysine.
Molecular consequence: missense variant. On other transcripts: intron variant (68).
Genome position (GRCh38, 1-based): chr4:113,358,253, C>A. VCF-style: chr4-113358253-C-A. GRCh37 (hg19) VCF-style: chr4-114279409-C-A.
Other names: c.9401C>A, p.Thr3134Lys (NM_001386142.1); c.6035C>A, p.Thr2012Lys (NM_001386166.1); c.9776C>A, p.Thr3259Lys (NM_001386174.1); c.9752C>A, p.Thr3251Lys (NM_001386175.1); c.4412-2570C>A (NM_001386186.2, NM_001386148.2); c.4214-2570C>A (NM_001354269.3); c.4292-2570C>A (NM_001386187.2); c.4253-2570C>A (NM_001386147.1); and 35 more; short protein forms T2012K, T3134K, T3212K, T3251K, T3259K.
Identifiers: ClinVar variation 3391704 (VCV003391704.1).

ClinVar aggregate classification (germline): Uncertain significance (1 of 4 stars; one submission).

Submission:

GeneDx
Classification: Uncertain significance. Last evaluated: 2024-06-17. Review status: criteria provided, single submitter. Criteria: GeneDx Variant Classification Process June 2021. Collection method: clinical testing. Allele origin: germline. Affected: yes.
Comment: Not observed at significant frequency in large population cohorts (gnomAD); In silico analysis indicates that this missense variant does not alter protein structure/function; Has not been previously published as pathogenic or benign to our knowledge